The following is an entry in ClinVar:

NM_139119.3(YY1AP1):c.-151-100dup

Genes: DAP3 (death associated protein 3; plus strand), YY1AP1 (YY1 associated protein 1; minus strand). Cytogenetic location: 1q22.
Variant type: Duplication.
Coding change: c.-151-100dup on transcript NM_139119.3 (MANE Select); 100 bases into the intron before 151 bases upstream of the start codon, one base duplicated (G; older notation c.-151-100dupG).
Molecular consequence: intron variant. On other transcripts: frameshift variant (2).
Genome position (GRCh38, 1-based): chr1:155,688,301, C duplicated on the plus strand (G on the coding strand, the reverse complement: YY1AP1 is on the minus strand). VCF-style (leftmost placement, unchanged base first): chr1-155688300-T-TC. GRCh37 (hg19) VCF-style: chr1-155658091-T-TC.
Other names: c.164dup, p.Gly56fs (NM_001198903.1, NM_001198904.1); c.-21+629dup (NM_001198901.2); c.-375+629dup (NM_139121.3); c.48-100dup (NM_139118.3, NM_001198906.2); c.-21+358dup (NM_001198902.2); c.-143-100dup (NM_001198900.2); c.-151-100dup (NM_001198905.2); c.-265-100dup (NM_018253.4); short protein forms G56fs.
Identifiers: ClinVar variation 1076776 (VCV001076776.7), dbSNP rs778715969, ClinGen allele CA1149047.

ClinVar aggregate classification (germline): Pathogenic (1 of 4 stars; one submission).

Allele frequency attached by ClinVar (database versions not stated): gnomAD 0.00002; gnomAD exomes 0.00002 and 0.00003; TOPMed 0.00003; ExAC 0.00010.

Submission:

Labcorp Genetics (formerly Invitae), Labcorp
Classification: Pathogenic. Last evaluated: 2017-09-08. Review status: criteria provided, single submitter. Criteria: Invitae Variant Classification Sherloc (09022015). Collection method: clinical testing. Allele origin: germline.
Comment: For these reasons, this variant has been classified as Pathogenic. Loss-of-function variants in YY1AP1 are known to be pathogenic (PMID: 27939641). This variant has not been reported in the literature in individuals with YY1AP1-related disease. This variant is present in population databases (rs778715969, ExAC 0.02%). This sequence change creates a premature translational stop signal (p.Gly56Argfs*42) in the YY1AP1 gene. It is expected to result in an absent or disrupted protein product.

Literature cited by the submitters: PubMed 27939641.